The following is an entry in ClinVar:

ClinVar aggregate classification (germline): Benign. Review status: criteria provided, multiple submitters, no conflicts (2 of 4 stars). 3 submissions from 3 submitters: Benign (2). 1 of the submissions does not count toward it. Last evaluated 2019-12-31.

Conditions:
UBR4-related disorder. Also called: UBR4-related condition.

Allele frequency attached by ClinVar (database versions not stated): gnomAD exomes 0.00180 and 0.00066; gnomAD 0.00710 and 0.00773; 1000 Genomes Project 0.00739; TOPMed 0.00857; ExAC 0.00229; 1000 Genomes Project 30x 0.00765; ESP Exome Variant Server 0.00784.
gnomAD v4.1: 2,084 of 1,614,278 alleles (0.13%); highest among the groups gnomAD compares: African/African-American, 2.5%; 25 homozygotes.

Submissions (3):

Labcorp Genetics (formerly Invitae), Labcorp
Classification: Benign. Last evaluated: 2019-12-31. Review status: criteria provided, single submitter. Criteria: Invitae Variant Classification Sherloc (09022015). Collection method: clinical testing. Allele origin: germline.

Breakthrough Genomics
Classification: Benign. Review status: criteria provided, single submitter. Criteria: ACMG Guidelines, 2015. Collection method: not provided. Allele origin: germline. Inheritance: Unknown mechanism. Affected: yes.

PreventionGenetics, part of Exact Sciences
Classification: Benign for UBR4-related condition. Last evaluated: 2019-10-28. Review status: no assertion criteria provided. Collection method: clinical testing. Allele origin: germline. Not counted in ClinVar's aggregate classification.
Comment: This variant is classified as benign based on ACMG/AMP sequence variant interpretation guidelines (Richards et al. 2015 PMID: 25741868, with internal and published modifications).

NM_020765.3(UBR4):c.12795T>C (p.Thr4265=)

Gene: UBR4 (ubiquitin protein ligase E3 component n-recognin 4; minus strand). Cytogenetic location: 1p36.13.
Variant type: single nucleotide variant.
Coding change: c.12795T>C on transcript NM_020765.3 (MANE Select); coding-DNA position 12795, T replaced by C.
Protein change: p.Thr4265=; no amino-acid change (threonine 4265 retained).
Molecular consequence: synonymous variant.
Genome position (GRCh38, 1-based): chr1:19,104,190, A>G on the plus strand (T>C on the coding strand, the complement: UBR4 is on the minus strand). VCF-style: chr1-19104190-A-G. GRCh37 (hg19) VCF-style: chr1-19430684-A-G.
Identifiers: ClinVar variation 784934 (VCV000784934.7), dbSNP rs11586454, ClinGen allele CA648604.